The following is an entry in ClinVar:

ClinVar aggregate classification (germline): Conflicting classifications of pathogenicity. Review status: criteria provided, conflicting classifications (1 of 4 stars). 3 submissions from 3 submitters: Likely pathogenic (1); Uncertain significance (2). Last evaluated 2025-04-14.

Allele frequency attached by ClinVar (database versions not stated): gnomAD exomes below 0.00001.
gnomAD v4.1: 3 of 1,523,580 alleles (0.0002%); highest among the groups gnomAD compares: African/African-American, 0.0014%; no homozygotes.

Submissions (3):

Labcorp Genetics (formerly Invitae), Labcorp
Classification: Likely pathogenic. Last evaluated: 2025-04-14. Review status: criteria provided, single submitter. Criteria: Invitae Variant Classification Sherloc (09022015). Collection method: clinical testing. Allele origin: germline.
Comment: This sequence change replaces isoleucine, which is neutral and non-polar, with methionine, which is neutral and non-polar, at codon 566 of the SLC26A4 protein (p.Ile566Met). This variant is not present in population databases (gnomAD no frequency). This missense change has been observed in individual(s) with clinical features of Pendred syndrome (external communication, internal data). In at least one individual the data is consistent with being in trans (on the opposite chromosome) from a pathogenic variant. It has also been observed to segregate with disease in related individuals. ClinVar contains an entry for this variant (Variation ID: 43520). Invitae Evidence Modeling of protein sequence and biophysical properties (such as structural, functional, and spatial information, amino acid conservation, physicochemical variation, residue mobility, and thermodynamic stability) has been performed for this missense variant. However, the output from this modeling did not meet the statistical confidence thresholds required to predict the impact of this variant on SLC26A4 protein function. In summary, the currently available evidence indicates that the variant is pathogenic, but additional data are needed to prove that conclusively. Therefore, this variant has been classified as Likely Pathogenic.

GeneDx
Classification: Uncertain significance. Last evaluated: 2024-08-06. Review status: criteria provided, single submitter. Criteria: GeneDx Variant Classification Process June 2021. Collection method: clinical testing. Allele origin: germline. Affected: yes.
Comment: Not observed at significant frequency in large population cohorts (gnomAD); In silico analysis indicates that this missense variant does not alter protein structure/function; Has not been previously published as pathogenic or benign to our knowledge

Laboratory for Molecular Medicine, Mass General Brigham Personalized Medicine
Classification: Uncertain significance. Last evaluated: 2008-03-01. Review status: criteria provided, single submitter. Criteria: LMM Criteria. Collection method: clinical testing. Allele origin: germline. Observed: 1 variant allele.

NM_000441.2(SLC26A4):c.1698C>G (p.Ile566Met)

Gene: SLC26A4 (solute carrier family 26 member 4; plus strand). Cytogenetic location: 7q22.3.
Variant type: single nucleotide variant.
Coding change: c.1698C>G on transcript NM_000441.2 (MANE Select); coding-DNA position 1698, C replaced by G.
Protein change: p.Ile566Met; replaces isoleucine 566 with methionine.
Molecular consequence: missense variant.
Genome position (GRCh38, 1-based): chr7:107,700,166, C>G. VCF-style: chr7-107700166-C-G. GRCh37 (hg19) VCF-style: chr7-107340611-C-G.
Other names: short protein forms I566M.
Identifiers: ClinVar variation 43520 (VCV000043520.7), dbSNP rs111033375, ClinGen allele CA132673.